The following is an entry in ClinVar:

ClinVar aggregate classification (germline): Likely pathogenic (1 of 4 stars; one submission).

Conditions:
Obesity. Also called: Obesity disorder. Identifiers: Orphanet 71529, MedGen C0028754, MeSH D009765, MONDO:0011122, HP:0001513.

Submission:

Institute of Human Genetics, University of Goettingen
Classification: Likely pathogenic for Obesity. Last evaluated: 2020-10-13. Review status: criteria provided, single submitter. Criteria: ACMG Guidelines, 2015. Collection method: clinical testing. Allele origin: de novo. Inheritance: Autosomal dominant inheritance. Affected: yes. Observed: 1 heterozygote.
Comment: ACMG criteria used for classification: PS2, PM2, PP3, BP1.

NM_001709.5(BDNF):c.557G>A (p.Cys186Tyr)

Genes: BDNF-AS (BDNF antisense RNA; plus strand), BDNF (brain derived neurotrophic factor; minus strand). Cytogenetic location: 11p14.1.
Variant type: single nucleotide variant.
Coding change: c.557G>A on transcript NM_001709.5 (MANE Select); coding-DNA position 557, G replaced by A.
Protein change: p.Cys186Tyr; replaces cysteine 186 with tyrosine.
Molecular consequence: missense variant.
Genome position (GRCh38, 1-based): chr11:27,658,008, C>T on the plus strand (G>A on the coding strand, the complement: BDNF is on the minus strand). VCF-style: chr11-27658008-C-T. GRCh37 (hg19) VCF-style: chr11-27679555-C-T.
Other names: c.557G>A, p.Cys186Tyr (NM_001143816.2, NM_170732.4, NM_170733.4 and 9 more transcripts); c.581G>A, p.Cys194Tyr (NM_170731.5); c.602G>A, p.Cys201Tyr (NM_170734.4); c.644G>A, p.Cys215Tyr (NM_001143809.2); c.803G>A, p.Cys268Tyr (NM_001143810.2); short protein forms C186Y, C194Y, C201Y, C215Y, C268Y.
Identifiers: ClinVar variation 981928 (VCV000981928.3), dbSNP rs1852795747, ClinGen allele CA380073803.